The following is an entry in ClinVar:

NM_006219.3(PIK3CB):c.3199G>C (p.Asp1067His)

Gene: PIK3CB (phosphatidylinositol-4,5-bisphosphate 3-kinase catalytic subunit beta; minus strand). Cytogenetic location: 3q22.3.
Variant type: single nucleotide variant.
Coding change: c.3199G>C on transcript NM_006219.3 (MANE Select); coding-DNA position 3199, G replaced by C.
Protein change: p.Asp1067His; replaces aspartic acid 1067 with histidine.
Molecular consequence: missense variant.
Genome position (GRCh38, 1-based): chr3:138,655,403, C>G on the plus strand (G>C on the coding strand, the complement: PIK3CB is on the minus strand). VCF-style: chr3-138655403-C-G. GRCh37 (hg19) VCF-style: chr3-138374245-C-G.
Other names: c.3199G>C, p.Asp1067His (NM_001437286.1, NM_001437287.1, NM_001437288.1 and 1 more transcripts); c.3148G>C, p.Asp1050His (NM_001437289.1, NM_001437290.1, NM_001437291.1 and 1 more transcripts); c.1735G>C, p.Asp579His (NM_001256045.2); short protein forms D1050H, D1067H, D579H.
Identifiers: ClinVar variation 4530415 (VCV004530415.1).

ClinVar aggregate classification (somatic clinical impact): Tier II - Potential (1 of 4 stars; one submission).

Conditions:
Germinoma. Also called: Germinoma (disease). Identifiers: MedGen C0206660, MONDO:0002598, HP:0100620.

Submission:

Institute for Genomic Medicine (IGM) Clinical Laboratory, Nationwide Children's Hospital
Classification: Tier II - Potential for Germinoma. Assertion type: diagnostic. Clinical significance: supports diagnosis. Last evaluated: 2023-06-20. Review status: criteria provided, single submitter. Criteria: AMP/ASCO/CAP Guidelines, 2017. Collection method: clinical testing. Allele origin: somatic. Affected: yes.
Comment: Variant has Tier II (potential) clinical significance as a diagnostic inclusion criterion in germinoma, based on the following evidence: 1) Documented in one or more cancer databases (e.g., St. Jude Pecan, COSMIC, CIViC, OncoKB). 2) Information in the literature supports potential biologic effect of variant (PMIDs: 25982275, 26759240). 3) Assists in diagnosis alone or along with other biomarkers based on small studies or few case reports (Evidence Level D; PMIDs: 26956871, 27391150).

Literature cited by the submitters: PubMed 25982275; PubMed 26759240; PubMed 26956871; PubMed 27391150.